The following is an entry in ClinVar:

ClinVar aggregate classification (germline): Pathogenic/Likely pathogenic. Review status: criteria provided, multiple submitters, no conflicts (2 of 4 stars). 2 submissions from 2 submitters: Pathogenic (1); Likely pathogenic (1). Last evaluated 2025-11-13.

gnomAD v4.1: 1 of 1,578,208 alleles (0.000063%); no homozygotes.

Submissions (2):

Dasa
Classification: Pathogenic. Last evaluated: 2025-11-13. Review status: criteria provided, single submitter. Criteria: DASA Assertion Criteria. Collection method: clinical testing. Allele origin: germline.
Comment: NM_000541.5(SAG):c.76-2A>T introduces a premature termination codon predicted to result in loss of normal protein function. Loss-of-function is an established mechanism of disease for this gene. This variant results in the same amino acid change as a previously established pathogenic variant. The variant is present at low frequency in population datasets. Based on the available data, this variant is classified as pathogenic.

Labcorp Genetics (formerly Invitae), Labcorp
Classification: Likely pathogenic. Last evaluated: 2024-06-06. Review status: criteria provided, single submitter. Criteria: Invitae Variant Classification Sherloc (09022015). Collection method: clinical testing. Allele origin: germline.
Comment: This sequence change affects an acceptor splice site in intron 2 of the SAG gene. It is expected to disrupt RNA splicing. Variants that disrupt the donor or acceptor splice site typically lead to a loss of protein function (PMID: 16199547), and loss-of-function variants in SAG are known to be pathogenic (PMID: 9452120, 15234147, 22665972). This variant is not present in population databases (gnomAD no frequency). This variant has not been reported in the literature in individuals affected with SAG-related conditions. Algorithms developed to predict the effect of sequence changes on RNA splicing suggest that this variant may disrupt the consensus splice site. In summary, the currently available evidence indicates that the variant is pathogenic, but additional data are needed to prove that conclusively. Therefore, this variant has been classified as Likely Pathogenic.

Literature cited by the submitters: PubMed 16199547 (cited by Labcorp Genetics (formerly Invitae), Labcorp); PubMed 9452120 (cited by Labcorp Genetics (formerly Invitae), Labcorp); PubMed 15234147 (cited by Labcorp Genetics (formerly Invitae), Labcorp); PubMed 22665972 (cited by Labcorp Genetics (formerly Invitae), Labcorp).

NM_000541.5(SAG):c.76-2A>T

Gene: SAG (S-antigen visual arrestin; plus strand). Cytogenetic location: 2q37.1.
Variant type: single nucleotide variant.
Coding change: c.76-2A>T on transcript NM_000541.5 (MANE Select); the canonical splice acceptor site of the intron before coding-DNA position 76, A replaced by T.
Molecular consequence: splice acceptor variant.
Genome position (GRCh38, 1-based): chr2:233,316,073, A>T. VCF-style: chr2-233316073-A-T. GRCh37 (hg19) VCF-style: chr2-234224719-A-T.
Identifiers: ClinVar variation 3668437 (VCV003668437.3).